The following is an entry in ClinVar:

NM_001453.3(FOXC1):c.1198A>C (p.Met400Leu)

Gene: FOXC1 (forkhead box C1; plus strand). Cytogenetic location: 6p25.3.
Variant type: single nucleotide variant.
Coding change: c.1198A>C on transcript NM_001453.3 (MANE Select); coding-DNA position 1198, A replaced by C.
Protein change: p.Met400Leu; replaces methionine 400 with leucine.
Molecular consequence: missense variant.
Genome position (GRCh38, 1-based): chr6:1,611,643, A>C. VCF-style: chr6-1611643-A-C. GRCh37 (hg19) VCF-style: chr6-1611878-A-C.
Other names: short protein forms M400L.
Identifiers: ClinVar variation 4808006 (VCV004808006.1).

ClinVar aggregate classification (germline): Uncertain significance (1 of 4 stars; one submission).

Conditions:
Axenfeld-Rieger syndrome type 3 (RIEG3). Also called: AXENFELD-RIEGER ANOMALY WITH CARDIAC DEFECTS AND/OR SENSORINEURAL HEARING LOSS. Identifiers: Orphanet 782, MedGen C2678503, MONDO:0011233, OMIM 602482.

Submission:

Labcorp Genetics (formerly Invitae), Labcorp
Classification: Uncertain significance for Axenfeld-Rieger syndrome type 3. Last evaluated: 2025-03-31. Review status: criteria provided, single submitter. Criteria: Invitae Variant Classification Sherloc (09022015). Collection method: clinical testing. Allele origin: germline.
Comment: This sequence change replaces methionine, which is neutral and non-polar, with leucine, which is neutral and non-polar, at codon 400 of the FOXC1 protein (p.Met400Leu). This variant is not present in population databases (gnomAD no frequency). This variant has not been reported in the literature in individuals affected with FOXC1-related conditions. An algorithm developed to predict the effect of missense changes on protein structure and function (PolyPhen-2) suggests that this variant is likely to be tolerated. In summary, the available evidence is currently insufficient to determine the role of this variant in disease. Therefore, it has been classified as a Variant of Uncertain Significance.